The following is an entry in ClinVar:

NM_014847.4(UBAP2L):c.3168+3A>G

Gene: UBAP2L (ubiquitin associated protein 2 like; plus strand). Cytogenetic location: 1q21.3.
Variant type: single nucleotide variant.
Coding change: c.3168+3A>G on transcript NM_014847.4 (MANE Select); 3 bases into the intron after coding-DNA position 3168, A replaced by G.
Molecular consequence: intron variant.
Genome position (GRCh38, 1-based): chr1:154,268,957, A>G. VCF-style: chr1-154268957-A-G. GRCh37 (hg19) VCF-style: chr1-154241433-A-G.
Other names: IVS26DS, A-G, +3; c.3201+3A>G (NM_001330730.1, NM_001375625.1, NM_001375612.1); c.3198+3A>G (NM_001287816.1, NM_001375617.1); c.3168+3A>G (NM_001375623.1, NM_001375627.1, NM_001375626.1 and 3 more transcripts); c.3165+3A>G (NM_001375624.1, NM_001375628.1, NM_001375616.1 and 4 more transcripts).
Identifiers: ClinVar variation 2430934 (VCV002430934.2), dbSNP rs2524793782, ClinGen allele CA2580061079.

ClinVar aggregate classification (germline): Pathogenic. Review status: criteria provided, single submitter (1 of 4 stars). 2 submissions from 2 submitters: Pathogenic (1). 1 of the submissions does not count toward it. Last evaluated 2022-09-30.

Conditions:
Neurodevelopmental disorder with impaired language, behavioral abnormalities, and dysmorphic facies (NEDLBF). Identifiers: MedGen C5882686, MONDO:0957588, OMIM 620494.

Submissions (2):

GeneDx
Classification: Pathogenic. Last evaluated: 2022-09-30. Review status: criteria provided, single submitter. Criteria: GeneDx Variant Classification Process June 2021. Collection method: clinical testing. Allele origin: germline. Affected: yes.
Comment: Published functional studies demonstrate a damaging effect due to impaired splicing (Jia X et al., 2022); Not observed at significant frequency in large population cohorts (gnomAD); This variant is associated with the following publications: (PMID: 35977029)

OMIM
Classification: Pathogenic for NEURODEVELOPMENTAL DISORDER WITH IMPAIRED LANGUAGE, BEHAVIORAL ABNORMALITIES, AND DYSMORPHIC FACIES. Last evaluated: 2023-08-30. Review status: no assertion criteria provided. Collection method: literature only. Allele origin: germline. Not counted in ClinVar's aggregate classification.

Literature cited by the submitters: PubMed 35977029 (cited by OMIM).